The following is an entry in ClinVar:

ClinVar aggregate classification (germline): Pathogenic (0 of 4 stars; one submission).

Conditions:
Steinert myotonic dystrophy syndrome (DM1). Also called: STEINERT DISEASE; Myotonic dystrophy type 1; Dystrophia myotonica type 1; Steinert myotonic dystrophy; Steinert's disease. Identifiers: Orphanet 273, MedGen C3250443, MONDO:0008056, OMIM 160900.

Submission:

Institute of Molecular, Cell and Systems Biology, University of Glasgow
Classification: Pathogenic for Steinert myotonic dystrophy syndrome. Review status: no assertion criteria provided. Criteria: research. Collection method: research. Allele origin: germline. Inheritance: Autosomal dominant inheritance. Affected: yes. Observed: 2 heterozygotes.
Comment: DMPK CTG repeat expansions greater than approximately 45-50 repeats are assumed to be pathogenic

This record is based on data published in PubMed 25052313, which reports only ClinVar accessions SCV000120188 and SCV000120189. The complete data set includes SCV000207445 - SCV000207579.

Literature cited by the submitters: PubMed 1346923; PubMed 1546326; PubMed 25052313.

NM_004409.5(DMPK):c.*224CTG[235]

Genes: DM1-AS (DM1 locus antisense RNA; plus strand), DMPK (DM1 protein kinase; minus strand), LOC107075317 (origin of replication in DMPK trinucleotide repeat region; plus strand), LOC109461477 (dystrophia myotonica protein kinase repeat instability region; plus strand). Cytogenetic location: 19q13.32.
Variant type: Microsatellite.
Coding change: c.*224CTG[235] on transcript NM_004409.5 (MANE Select); 235 copies in a row of the 3-base unit CTG starting at c.*224.
Molecular consequence: 3 prime UTR variant.
Genome position: GRCh38, VCF-style position (the base before the change): chr19:45,770,204. GRCh37 (hg19), VCF-style position (the base before the change): chr19:46,273,462.
Other names: DM1 CTG repeat expansion; c.*224CTG[235] (NM_001081560.3, NM_001288764.2, NM_001424165.1 and 1 more transcripts); c.*217CTG[235] (NM_001081562.3, NM_001288765.2, NM_001424162.1 and 2 more transcripts); c.*222_*224TGC[235] (NM_001081563.3); c.*369CTG[235] (NM_001288766.2, NM_001424164.1, NM_001424168.1).
Identifiers: ClinVar variation 187942 (VCV000187942.1), ClinGen allele CA915951740.